The following is an entry in ClinVar:

ClinVar aggregate classification (germline): Uncertain significance (1 of 4 stars; one submission).

Conditions:
RHAG-related disorder. Also called: RHAG-related condition.

Submission:

PreventionGenetics, part of Exact Sciences
Classification: Uncertain significance for RHAG-related condition. Last evaluated: 2026-07-23. Review status: criteria provided, single submitter. Criteria: ACMG Guidelines, 2015. Collection method: clinical testing. Allele origin: germline.
Comment: The RHAG c.287T>C variant is predicted to result in the amino acid substitution p.Ile96Thr. To our knowledge, this variant has not been reported in the literature or in a large population database (gnomAD), indicating it is rare. At this time, the clinical significance of this variant is uncertain due to the absence of conclusive functional and genetic evidence.

NM_000324.3(RHAG):c.287T>C (p.Ile96Thr)

Gene: RHAG (Rh associated glycoprotein; minus strand). Cytogenetic location: 6p12.3.
Variant type: single nucleotide variant.
Coding change: c.287T>C on transcript NM_000324.3 (MANE Select); coding-DNA position 287, T replaced by C.
Protein change: p.Ile96Thr; replaces isoleucine 96 with threonine.
Molecular consequence: missense variant.
Genome position (GRCh38, 1-based): chr6:49,619,233, A>G on the plus strand (T>C on the coding strand, the complement: RHAG is on the minus strand). VCF-style: chr6-49619233-A-G. GRCh37 (hg19) VCF-style: chr6-49586946-A-G.
Other names: short protein forms I96T.
Identifiers: ClinVar variation 2635235 (VCV002635235.4), dbSNP rs2532610091, ClinGen allele CA364403102.